The following is an entry in ClinVar:

ClinVar aggregate classification (germline): Uncertain significance (1 of 4 stars; one submission).

Submission:

Labcorp Genetics (formerly Invitae), Labcorp
Classification: Uncertain significance. Last evaluated: 2025-07-25. Review status: criteria provided, single submitter. Criteria: Invitae Variant Classification Sherloc (09022015). Collection method: clinical testing. Allele origin: germline.
Comment: This sequence change replaces glycine, which is neutral and non-polar, with arginine, which is basic and polar, at codon 902 of the ALPK3 protein (p.Gly902Arg). This variant is not present in population databases (gnomAD no frequency). This variant has not been reported in the literature in individuals affected with ALPK3-related conditions. Invitae Evidence Modeling of protein sequence and biophysical properties (such as structural, functional, and spatial information, amino acid conservation, physicochemical variation, residue mobility, and thermodynamic stability) indicates that this missense variant is not expected to disrupt ALPK3 protein function with a negative predictive value of 80%. In summary, the available evidence is currently insufficient to determine the role of this variant in disease. Therefore, it has been classified as a Variant of Uncertain Significance.

NM_020778.5(ALPK3):c.2098G>A (p.Gly700Arg)

Gene: ALPK3 (alpha kinase 3; plus strand). Cytogenetic location: 15q25.3.
Variant type: single nucleotide variant.
Coding change: c.2098G>A on transcript NM_020778.5 (MANE Select); coding-DNA position 2098, G replaced by A.
Protein change: p.Gly700Arg; replaces glycine 700 with arginine.
Molecular consequence: missense variant.
Genome position (GRCh38, 1-based): chr15:84,856,836, G>A. VCF-style: chr15-84856836-G-A. GRCh37 (hg19) VCF-style: chr15-85400067-G-A.
Other names: short protein forms G700R.
Identifiers: ClinVar variation 4809141 (VCV004809141.1).
Genomic context (GRCh38, chr15:84,856,836, plus strand): 5'-ATACAGGAAGACAGGAAGGCCCAGGCAGATAAGGGCACACAGGAAGACAGAAGGATGCAG[G>A]GAGAGAAGGGGATGCAGGGAGAGAAGGGGACGCAGTCAGAGGGGAGCGCGCCCACAGCCA-3'
Protein context (NP_065829.4, residues 690-710): KGTQEDRRMQ[Gly700Arg]EKGMQGEKGT